The following is an entry in ClinVar:

NM_000093.5(COL5A1):c.1720-3T>C

Gene: COL5A1 (collagen type V alpha 1 chain; plus strand). Cytogenetic location: 9q34.3.
Variant type: single nucleotide variant.
Coding change: c.1720-3T>C on transcript NM_000093.5 (MANE Select); 3 bases into the intron before coding-DNA position 1720, T replaced by C.
Molecular consequence: intron variant.
Genome position (GRCh38, 1-based): chr9:134,753,847, T>C. VCF-style: chr9-134753847-T-C. GRCh37 (hg19) VCF-style: chr9-137645693-T-C.
Other names: c.1720-3T>C (NM_001278074.1).
Identifiers: ClinVar variation 510847 (VCV000510847.6), dbSNP rs960627780, ClinGen allele CA201090745.

ClinVar aggregate classification (germline): Conflicting classifications of pathogenicity. Review status: criteria provided, conflicting classifications (1 of 4 stars). 2 submissions from 2 submitters: Uncertain significance (1); Likely benign (1). Last evaluated 2023-10-15.

Conditions:
Ehlers-Danlos syndrome, classic type, 1 (EDSCL1). Also called: EHLERS-DANLOS SYNDROME, GRAVIS TYPE; EHLERS-DANLOS SYNDROME, SEVERE CLASSIC TYPE; EDS I; Ehlers-Danlos Syndrome, Classic Type, COL5A1-Related; Ehlers-Danlos syndrome, type 1. Identifiers: MedGen C0268335, MONDO:0019567, OMIM 130000.

Allele frequency attached by ClinVar (database versions not stated): gnomAD exomes below 0.00001.
gnomAD v4.1: 3 of 1,482,334 alleles (0.0002%); highest among the groups gnomAD compares: Non-Finnish European, 0.00027%; no homozygotes.

Submissions (2):

Labcorp Genetics (formerly Invitae), Labcorp
Classification: Uncertain significance for Ehlers-Danlos syndrome, classic type, 1. Last evaluated: 2023-10-15. Review status: criteria provided, single submitter. Criteria: Invitae Variant Classification Sherloc (09022015). Collection method: clinical testing. Allele origin: germline.
Comment: This sequence change falls in intron 14 of the COL5A1 gene. It does not directly change the encoded amino acid sequence of the COL5A1 protein. It affects a nucleotide within the consensus splice site. This variant is not present in population databases (gnomAD no frequency). This variant has not been reported in the literature in individuals affected with COL5A1-related conditions. ClinVar contains an entry for this variant (Variation ID: 510847). Variants that disrupt the consensus splice site are a relatively common cause of aberrant splicing (PMID: 17576681, 9536098). Algorithms developed to predict the effect of sequence changes on RNA splicing suggest that this variant is not likely to affect RNA splicing. In summary, the available evidence is currently insufficient to determine the role of this variant in disease. Therefore, it has been classified as a Variant of Uncertain Significance.

GeneDx
Classification: Likely benign. Last evaluated: 2017-07-17. Review status: criteria provided, single submitter. Criteria: GeneDx Variant Classification (06012015). Collection method: clinical testing. Allele origin: germline. Affected: yes.
Comment: This variant is considered likely benign or benign based on one or more of the following criteria: it is a conservative change, it occurs at a poorly conserved position in the protein, it is predicted to be benign by multiple in silico algorithms, and/or has population frequency not consistent with disease.

Literature cited by the submitters: PubMed 17576681 (cited by Labcorp Genetics (formerly Invitae), Labcorp); PubMed 9536098 (cited by Labcorp Genetics (formerly Invitae), Labcorp).